The following is an entry in ClinVar:

ClinVar aggregate classification (germline): Pathogenic (1 of 4 stars; one submission).

Conditions:
Fetal anomalies with a likely genetic cause.

gnomAD v4.1: 1 of 1,613,928 alleles (0.000062%); highest among the groups gnomAD compares: Non-Finnish European, 0.000085%; no homozygotes.

Submission:

Genetics Laboratory, Great Ormond Street Hospital NHS Foundation Trust, North Thames Genomic Laboratory Hub
Classification: Pathogenic for Fetal anomalies with a likely genetic cause. Last evaluated: 2026-02-06. Review status: criteria provided, single submitter. Criteria: ACGS Best Practice Guidelines for Variant Classification in Rare Disease 2024 v1.2. Collection method: clinical testing. Allele origin: germline. Affected: yes.
Comment: PM2_moderate, PVS1_very-strong

NM_012144.4(DNAI1):c.1570-1G>A

Gene: DNAI1 (dynein axonemal intermediate chain 1; plus strand). Cytogenetic location: 9p13.3.
Variant type: single nucleotide variant.
Coding change: c.1570-1G>A on transcript NM_012144.4 (MANE Select); the canonical splice acceptor site of the intron before coding-DNA position 1570, G replaced by A.
Molecular consequence: splice acceptor variant.
Genome position (GRCh38, 1-based): chr9:34,514,393, G>A. VCF-style: chr9-34514393-G-A. GRCh37 (hg19) VCF-style: chr9-34514391-G-A.
Other names: c.1582-1G>A (NM_001281428.2).
Identifiers: ClinVar variation 4819434 (VCV004819434.1).